The following is an entry in ClinVar:

NM_017827.4(SARS2):c.173T>A (p.Leu58Gln)

Genes: SARS2 (seryl-tRNA synthetase 2, mitochondrial; minus strand), LOC130064387 (ATAC-STARR-seq lymphoblastoid active region 14604; plus strand). Cytogenetic location: 19q13.2.
Variant type: single nucleotide variant.
Coding change: c.173T>A on transcript NM_017827.4 (MANE Select); coding-DNA position 173, T replaced by A.
Protein change: p.Leu58Gln; replaces leucine 58 with glutamine.
Molecular consequence: missense variant.
Genome position (GRCh38, 1-based): chr19:38,930,564, A>T on the plus strand (T>A on the coding strand, the complement: SARS2 is on the minus strand). VCF-style: chr19-38930564-A-T. GRCh37 (hg19) VCF-style: chr19-39421204-A-T.
Other names: c.173T>A, p.Leu58Gln (NM_001145901.2); short protein forms L58Q.
Identifiers: ClinVar variation 1254459 (VCV001254459.2), dbSNP rs1005101081, ClinGen allele CA405741898.
Genomic context (GRCh38, chr19:38,930,564, plus strand): 5'-TTGCGGAGCTCCAGGGCGTGTGCGGCCTCTTCTGGGCATGCGCAGAACCGCTCTATGTCC[A>T]GCTGAGGGAGTGCGCTGTAGCCCTCGCGCGCATACTCGTACAGGAGGTTCCGGTTTCGTT-3'
Protein context (NP_060297.1, residues 48-68): AREGYSALPQ[Leu58Gln]DIERFCACPE

ClinVar aggregate classification (germline): Uncertain significance (1 of 4 stars; one submission).

gnomAD v4.1: 1 of 1,613,904 alleles (0.000062%); highest among the groups gnomAD compares: Non-Finnish European, 0.000085%; no homozygotes.

Submission:

GeneDx
Classification: Uncertain significance. Last evaluated: 2021-08-15. Review status: criteria provided, single submitter. Criteria: GeneDx Variant Classification Process June 2021. Collection method: clinical testing. Allele origin: germline. Affected: yes.
Comment: Not observed at significant frequency in large population cohorts (Lek et al., 2016); In silico analysis supports that this missense variant has a deleterious effect on protein structure/function; Has not been previously published as pathogenic or benign to our knowledge